The following is an entry in ClinVar:

NM_000059.4(BRCA2):c.891_899delinsGATACTTAG (p.Thr298_Val300delinsIleLeuArg)

Gene: BRCA2 (BRCA2 DNA repair associated; plus strand). Cytogenetic location: 13q13.1.
Variant type: Indel.
Coding change: c.891_899delinsGATACTTAG on transcript NM_000059.4 (MANE Select); coding-DNA positions 891 to 899, AACAGTTGT replaced by GATACTTAG.
Protein change: p.Thr298_Val300delinsIleLeuArg.
Molecular consequence: missense variant.
Genome position (GRCh38, 1-based): chr13:32,332,369-32,332,377, AACAGTTGT replaced by GATACTTAG. VCF-style: chr13-32332369-AACAGTTGT-GATACTTAG. GRCh37 (hg19) VCF-style: chr13-32906506-AACAGTTGT-GATACTTAG.
Other names: NM_000059.4(BRCA2):c.891_899delinsGATACTTAG; p.Thr298_Val300delinsIleLeuArg.
Identifiers: ClinVar variation 431361 (VCV000431361.4), dbSNP rs1135401937, ClinGen allele CA645372946.

ClinVar aggregate classification (germline): Likely benign. Review status: reviewed by expert panel (3 of 4 stars). 3 submissions from 3 submitters: Likely benign (1). 2 of the submissions do not count toward it. Last evaluated 2026-11-19.

Conditions:
BRCA2-related cancer predisposition. Identifiers: MedGen CN377758, MONDO:0700269.
Hereditary breast ovarian cancer syndrome. Also called: Hereditary breast and ovarian cancer syndrome; Hereditary breast and ovarian cancer syndrome (HBOC); Hereditary breast and ovarian cancer; Hereditary breast and/or ovarian cancer syndrome; Breast and ovarian cancer; BRCA1- and BRCA2-Associated Hereditary Breast and Ovarian Cancer. Identifiers: Orphanet 145, MedGen C0677776, MeSH D061325, MONDO:0003582. Disease mechanism: loss of function.
Hereditary cancer-predisposing syndrome. Also called: Tumor predisposition; Hereditary neoplastic syndrome; Neoplastic Syndromes, Hereditary; Hereditary Cancer Syndrome. Identifiers: Orphanet 140162, MedGen C0027672, MeSH D009386, MONDO:0015356.

Submissions (3):

ClinGen ENIGMA BRCA1 and BRCA2 Variant Curation Expert Panel, ClinGen
Classification: Likely benign for BRCA2-related cancer predisposition. Last evaluated: 2026-11-19. Review status: reviewed by expert panel. Criteria: CSpec BRCA1/2ACMG Rules Specifications V1.2. Collection method: curation. Allele origin: germline. Inheritance: Autosomal dominant inheritance.
Comment: The c.891_899delinsGATACTTAG variant is predicted to replace 3 consecutive amino acids by three alternative amino acids (p.Thr298_Val300delinsIleLeuArg). This in-frame delins variant was not observed in gnomAD v4.1, but PM2_Supporting was not applied since recall is considered suboptimal for this type of variant (PM2_Supporting not met). This in-frame delins variant is located outside of a key functional domain and was not predicted to alter mRNA splicing using SpliceAI (score 0.00, score threshold ≤0.1) (BP1_Strong met). Multifactorial likelihood ratio analysis using clinically calibrated data produced a combined LR for this variant of 2.16 (based on Family History LR=2.16), within the thresholds for supporting evidence towards pathogenicity (LR ≥2.08 & <4.3) (PP4 met; PMID: 31853058). This variant is also reported in PMID: 40413188, however it is listed as contributing no evidence from the analysis. In summary, this variant meets the criteria to be classified as a Likely benign variant for BRCA2-related cancer predisposition based on the ACMG/AMP criteria applied as specified by the ENIGMA BRCA1/2 VCEP (BP1_Strong, PP4).

University of Washington Department of Laboratory Medicine, University of Washington
Classification: Likely benign for Hereditary cancer-predisposing syndrome. Last evaluated: 2023-03-23. Review status: criteria provided, single submitter. Criteria: Dines et al. (Genet Med. 2020). Collection method: curation. Allele origin: germline. Not counted in ClinVar's aggregate classification.
Comment: Missense variant in a coldspot region where missense variants are very unlikely to be pathogenic (PMID:31911673).

BRCA2 exon 11 coldspot. Reclassification based on statistical prior probability.

Department of Pathology and Molecular Medicine, Queen's University
Classification: Likely pathogenic for Hereditary breast ovarian cancer syndrome. Last evaluated: 2017-04-20. Review status: criteria provided, single submitter. Criteria: ACMG Guidelines, 2015. Collection method: clinical testing. Allele origin: germline. Study: The Canadian Open Genetics Repository (COGR). Not counted in ClinVar's aggregate classification.